The following is an entry in ClinVar:

NM_020297.4(ABCC9):c.2171C>T (p.Thr724Ile)

Gene: ABCC9 (ATP binding cassette subfamily C member 9; minus strand). Cytogenetic location: 12p12.1.
Variant type: single nucleotide variant.
Coding change: c.2171C>T on transcript NM_020297.4 (MANE Select); coding-DNA position 2171, C replaced by T.
Protein change: p.Thr724Ile; replaces threonine 724 with isoleucine.
Molecular consequence: missense variant.
Genome position (GRCh38, 1-based): chr12:21,872,652, G>A on the plus strand (C>T on the coding strand, the complement: ABCC9 is on the minus strand). VCF-style: chr12-21872652-G-A. GRCh37 (hg19) VCF-style: chr12-22025586-G-A.
Other names: c.2171C>T, p.Thr724Ile (NM_001377273.1, NM_005691.4); c.1307C>T, p.Thr436Ile (NM_001377274.1); short protein forms T436I, T724I.
Identifiers: ClinVar variation 1059229 (VCV001059229.9), dbSNP rs773355490, ClinGen allele CA6481480.

ClinVar aggregate classification (germline): Uncertain significance (1 of 4 stars; one submission).

Conditions:
Dilated cardiomyopathy 1O (CMD1O). Also called: CARDIOMYOPATHY, DILATED, WITH VENTRICULAR TACHYCARDIA. Identifiers: Orphanet 154, MedGen C1837839, MONDO:0012062, OMIM 608569.

Allele frequency attached by ClinVar (database versions not stated): ExAC 0.00002; gnomAD exomes 0.00002 and 0.00001; gnomAD 0.00001.
gnomAD v4.1: 9 of 1,613,646 alleles (0.00056%); no homozygotes.

Submission:

Labcorp Genetics (formerly Invitae), Labcorp
Classification: Uncertain significance for Dilated cardiomyopathy 1O. Last evaluated: 2020-10-27. Review status: criteria provided, single submitter. Criteria: Invitae Variant Classification Sherloc (09022015). Collection method: clinical testing. Allele origin: germline.
Comment: This variant has not been reported in the literature in individuals with ABCC9-related conditions. This sequence change replaces threonine with isoleucine at codon 724 of the ABCC9 protein (p.Thr724Ile). The threonine residue is moderately conserved and there is a moderate physicochemical difference between threonine and isoleucine. This variant is present in population databases (rs773355490, ExAC 0.03%). Algorithms developed to predict the effect of missense changes on protein structure and function are either unavailable or do not agree on the potential impact of this missense change (SIFT: "Tolerated"; PolyPhen-2: "Possibly Damaging"; Align-GVGD: "Class C0"). In summary, the available evidence is currently insufficient to determine the role of this variant in disease. Therefore, it has been classified as a Variant of Uncertain Significance.